The following is an entry in ClinVar:

ClinVar aggregate classification (germline): Uncertain significance (1 of 4 stars; one submission).

Conditions:
Charcot-Marie-Tooth disease type 2. Also called: Charcot-Marie-Tooth type 2. Identifiers: Orphanet 64746, MedGen C0270914, MONDO:0018993.

Submission:

Labcorp Genetics (formerly Invitae), Labcorp
Classification: Uncertain significance for Charcot-Marie-Tooth disease type 2. Last evaluated: 2023-09-08. Review status: criteria provided, single submitter. Criteria: Invitae Variant Classification Sherloc (09022015). Collection method: clinical testing. Allele origin: germline.
Comment: In summary, the available evidence is currently insufficient to determine the role of this variant in disease. Therefore, it has been classified as a Variant of Uncertain Significance. Advanced modeling of protein sequence and biophysical properties (such as structural, functional, and spatial information, amino acid conservation, physicochemical variation, residue mobility, and thermodynamic stability) performed at Invitae indicates that this missense variant is not expected to disrupt AARS protein function. This variant has not been reported in the literature in individuals affected with AARS-related conditions. This variant is not present in population databases (gnomAD no frequency). This sequence change replaces proline, which is neutral and non-polar, with arginine, which is basic and polar, at codon 232 of the AARS protein (p.Pro232Arg).

NM_001605.3(AARS1):c.695C>G (p.Pro232Arg)

Gene: AARS1 (alanyl-tRNA synthetase 1; minus strand). Cytogenetic location: 16q22.1.
Variant type: single nucleotide variant.
Coding change: c.695C>G on transcript NM_001605.3 (MANE Select); coding-DNA position 695, C replaced by G.
Protein change: p.Pro232Arg; replaces proline 232 with arginine.
Molecular consequence: missense variant.
Genome position (GRCh38, 1-based): chr16:70,270,317, G>C on the plus strand (C>G on the coding strand, the complement: AARS1 is on the minus strand). VCF-style: chr16-70270317-G-C. GRCh37 (hg19) VCF-style: chr16-70304220-G-C.
Other names: short protein forms P232R.
Identifiers: ClinVar variation 2758815 (VCV002758815.3), dbSNP rs1960369129, ClinGen allele CA396565642.